The following is an entry in ClinVar:

ClinVar aggregate classification (germline): Uncertain significance (1 of 4 stars; one submission).

gnomAD v4.1: 1 of 1,613,994 alleles (0.000062%); highest among the groups gnomAD compares: Non-Finnish European, 0.000085%; no homozygotes.

Submission:

Labcorp Genetics (formerly Invitae), Labcorp
Classification: Uncertain significance. Last evaluated: 2024-07-23. Review status: criteria provided, single submitter. Criteria: Invitae Variant Classification Sherloc (09022015). Collection method: clinical testing. Allele origin: germline.
Comment: This sequence change replaces glycine, which is neutral and non-polar, with valine, which is neutral and non-polar, at codon 1448 of the NYNRIN protein (p.Gly1448Val). This variant is not present in population databases (gnomAD no frequency). This variant has not been reported in the literature in individuals affected with NYNRIN-related conditions. Experimental studies and prediction algorithms are not available or were not evaluated, and the functional significance of this variant is currently unknown. In summary, the available evidence is currently insufficient to determine the role of this variant in disease. Therefore, it has been classified as a Variant of Uncertain Significance.

NM_025081.3(NYNRIN):c.4343G>T (p.Gly1448Val)

Gene: NYNRIN (NYN domain and retroviral integrase containing; plus strand). Cytogenetic location: 14q12.
Variant type: single nucleotide variant.
Coding change: c.4343G>T on transcript NM_025081.3 (MANE Select); coding-DNA position 4343, G replaced by T.
Protein change: p.Gly1448Val; replaces glycine 1448 with valine.
Molecular consequence: missense variant.
Genome position (GRCh38, 1-based): chr14:24,416,092, G>T. VCF-style: chr14-24416092-G-T. GRCh37 (hg19) VCF-style: chr14-24885298-G-T.
Other names: short protein forms G1448V.
Identifiers: ClinVar variation 3659993 (VCV003659993.2).